The following is an entry in ClinVar:

ClinVar aggregate classification (germline): Conflicting classifications of pathogenicity. Review status: criteria provided, conflicting classifications (1 of 4 stars). 3 submissions from 3 submitters: Uncertain significance (2); Likely benign (1). Last evaluated 2026-09-17.

Conditions:
Inborn genetic diseases. Identifiers: MedGen C0950123, MeSH D030342.
Atypical hemolytic-uremic syndrome. Identifiers: Orphanet 2134, MedGen C2931788, MONDO:0016244.

Submissions (3):

Genomenon, Inc
Classification: Uncertain significance for Atypical hemolytic-uremic syndrome. Last evaluated: 2026-09-17. Review status: criteria provided, single submitter. Criteria: Genomenon Sequence Variant Interpretation Standards - Updated. Collection method: curation. Allele origin: germline. Affected: yes.
Comment: CFB p.Ile502Thr (c.1505T>C) is a missense variant that changes the amino acid at codon 502 from Isoleucine to Threonine. This variant has been observed in at least one proband affected with atypical hemolytic-uremic syndrome (PMID:33387344). It is absent or not present at a significant frequency in gnomAD. In silico models predict that this variant is not damaging. In conclusion, we classify CFB p.Ile502Thr (c.1505T>C) as a variant of uncertain significance.

Labcorp Genetics (formerly Invitae), Labcorp
Classification: Uncertain significance. Last evaluated: 2025-01-13. Review status: criteria provided, single submitter. Criteria: Invitae Variant Classification Sherloc (09022015). Collection method: clinical testing. Allele origin: germline.
Comment: This sequence change replaces isoleucine, which is neutral and non-polar, with threonine, which is neutral and polar, at codon 502 of the CFB protein (p.Ile502Thr). This variant is present in population databases (rs765136717, gnomAD 0.01%). This missense change has been observed in individual(s) with hemolytic uremic syndrome (PMID: 34748552). An algorithm developed to predict the effect of missense changes on protein structure and function outputs the following: PolyPhen-2: "Benign". The threonine amino acid residue is found in multiple mammalian species, which suggests that this missense change does not adversely affect protein function. In summary, the available evidence is currently insufficient to determine the role of this variant in disease. Therefore, it has been classified as a Variant of Uncertain Significance.

Ambry Genetics
Classification: Likely benign for Inborn genetic diseases. Last evaluated: 2024-08-02. Review status: criteria provided, single submitter. Criteria: Ambry Variant Classification Scheme 2023. Collection method: clinical testing. Allele origin: germline.

Literature cited by the submitters: PubMed 33387344 (cited by Genomenon, Inc); PubMed 34748552 (cited by Labcorp Genetics (formerly Invitae), Labcorp).

NM_001710.6(CFB):c.1505T>C (p.Ile502Thr)

Gene: CFB (complement factor B; plus strand). Cytogenetic location: 6p21.33.
Variant type: single nucleotide variant.
Coding change: c.1505T>C on transcript NM_001710.6 (MANE Select); coding-DNA position 1505, T replaced by C.
Protein change: p.Ile502Thr; replaces isoleucine 502 with threonine.
Molecular consequence: missense variant.
Genome position (GRCh38, 1-based): chr6:31,950,146, T>C. VCF-style: chr6-31950146-T-C. GRCh37 (hg19) VCF-style: chr6-31917923-T-C.
Other names: short protein forms I502T.
Identifiers: ClinVar variation 3491515 (VCV003491515.4).
Genomic context (GRCh38, chr6:31,950,146, plus strand): 5'-GGGAACACAGGAAGGGTACCGATTACCACAAGCAACCATGGCAGGCCAAGATCTCAGTCA[T>C]TGTAAGCACAGAATCCCAGTAGTGGGGACTTGGGGGAGGTGAGGTCAAGGTGAAATGGGA-3'
Protein context (NP_001701.2, residues 492-512): KQPWQAKISV[Ile502Thr]RPSKGHESCM